The following is an entry in ClinVar:

NM_001003722.2(GLE1):c.1381G>A (p.Gly461Arg)

Genes: GLE1 (GLE1 RNA export mediator; plus strand), LOC101929270 (uncharacterized LOC101929270; minus strand). Cytogenetic location: 9q34.11.
Variant type: single nucleotide variant.
Coding change: c.1381G>A on transcript NM_001003722.2 (MANE Select); coding-DNA position 1381, G replaced by A.
Protein change: p.Gly461Arg; replaces glycine 461 with arginine.
Molecular consequence: missense variant.
Genome position (GRCh38, 1-based): chr9:128,533,581, G>A. VCF-style: chr9-128533581-G-A. GRCh37 (hg19) VCF-style: chr9-131295860-G-A.
Other names: c.1408G>A, p.Gly470Arg (NM_001411013.1); c.1381G>A, p.Gly461Arg (NM_001499.2); short protein forms G461R, G470R.
Identifiers: ClinVar variation 3767207 (VCV003767207.1).

ClinVar aggregate classification (germline): Likely pathogenic (1 of 4 stars; one submission).

Conditions:
Lethal arthrogryposis-anterior horn cell disease syndrome (CAAHD). Also called: CONGENITAL ARTHROGRYPOSIS WITH ANTERIOR HORN CELL DISEASE. Identifiers: Orphanet 53696, MedGen C5193016, MONDO:0012750, OMIM 611890.

Submission:

Service de Génétique Médicale, Centre Hospitalier Universitaire de Nice-Université Côte d'Azur
Classification: Likely pathogenic for Lethal arthrogryposis-anterior horn cell disease syndrome. Last evaluated: 2024-02-27. Review status: criteria provided, single submitter. Criteria: ACMG Guidelines, 2015. Collection method: clinical testing. Allele origin: germline. Affected: yes.

Literature cited by the submitters: PubMed 38703036.